The following is an entry in ClinVar:

NM_000234.3(LIG1):c.488G>A (p.Ser163Asn)

Gene: LIG1 (DNA ligase 1; minus strand). Cytogenetic location: 19q13.33.
Variant type: single nucleotide variant.
Coding change: c.488G>A on transcript NM_000234.3 (MANE Select); coding-DNA position 488, G replaced by A.
Protein change: p.Ser163Asn; replaces serine 163 with asparagine.
Molecular consequence: missense variant. On other transcripts: non-coding transcript variant (6), intron variant (1).
Genome position (GRCh38, 1-based): chr19:48,151,318, C>T on the plus strand (G>A on the coding strand, the complement: LIG1 is on the minus strand). VCF-style: chr19-48151318-C-T. GRCh37 (hg19) VCF-style: chr19-48654575-C-T.
Other names: c.395G>A, p.Ser132Asn (NM_001289063.2); c.485G>A, p.Ser162Asn (NM_001320970.2); c.398G>A, p.Ser133Asn (NM_001320971.2); c.371-1108G>A (NM_001289064.2); short protein forms S162N, S163N, S132N, S133N.
Identifiers: ClinVar variation 1386875 (VCV001386875.8), dbSNP rs2122856557, ClinGen allele CA406656274.

ClinVar aggregate classification (germline): Uncertain significance (1 of 4 stars; one submission).

Submission:

Labcorp Genetics (formerly Invitae), Labcorp
Classification: Uncertain significance. Last evaluated: 2022-07-06. Review status: criteria provided, single submitter. Criteria: Invitae Variant Classification Sherloc (09022015). Collection method: clinical testing. Allele origin: germline.
Comment: In summary, the available evidence is currently insufficient to determine the role of this variant in disease. Therefore, it has been classified as a Variant of Uncertain Significance. Algorithms developed to predict the effect of missense changes on protein structure and function output the following: SIFT: "Tolerated"; PolyPhen-2: "Benign"; Align-GVGD: "Class C0". The asparagine amino acid residue is found in multiple mammalian species, which suggests that this missense change does not adversely affect protein function. ClinVar contains an entry for this variant (Variation ID: 1386875). This variant has not been reported in the literature in individuals affected with LIG1-related conditions. This variant is not present in population databases (gnomAD no frequency). This sequence change replaces serine, which is neutral and polar, with asparagine, which is neutral and polar, at codon 163 of the LIG1 protein (p.Ser163Asn).